The following is an entry in ClinVar:

NM_015084.3(MRPS27):c.757C>T (p.Pro253Ser)

Gene: MRPS27 (mitochondrial ribosomal protein S27; minus strand). Cytogenetic location: 5q13.2.
Variant type: single nucleotide variant.
Coding change: c.757C>T on transcript NM_015084.3 (MANE Select); coding-DNA position 757, C replaced by T.
Protein change: p.Pro253Ser; replaces proline 253 with serine.
Molecular consequence: missense variant.
Genome position (GRCh38, 1-based): chr5:72,226,137, G>A on the plus strand (C>T on the coding strand, the complement: MRPS27 is on the minus strand). VCF-style: chr5-72226137-G-A. GRCh37 (hg19) VCF-style: chr5-71521964-G-A.
Other names: c.799C>T, p.Pro267Ser (NM_001286748.2); c.589C>T, p.Pro197Ser (NM_001286751.2); short protein forms P197S, P253S, P267S.
Identifiers: ClinVar variation 2655523 (VCV002655523.24), dbSNP rs114360965, ClinGen allele CA3299803.

ClinVar aggregate classification (germline): Benign (1 of 4 stars; one submission).

Allele frequency attached by ClinVar (database versions not stated): 1000 Genomes Project 30x 0.00578; 1000 Genomes Project 0.00579; TOPMed 0.00908; gnomAD 0.01024; ExAC 0.01042; ESP Exome Variant Server 0.01069.

Submission:

CeGaT Center for Human Genetics Tuebingen
Classification: Benign. Last evaluated: 2023-06-01. Review status: criteria provided, single submitter. Criteria: CeGaT Center For Human Genetics Tuebingen Variant Classification Criteria Version 2. Collection method: clinical testing. Allele origin: germline. Affected: yes. Observed: 1 variant allele.
Comment: MRPS27: BP4, BS1, BS2